The following is an entry in ClinVar:

ClinVar aggregate classification (germline): Likely benign (1 of 4 stars; one submission).

Conditions:
CLRN1-related disorder. Also called: CLRN1-related condition.

gnomAD v4.1: 6 of 152,156 alleles (0.0039%); highest among the groups gnomAD compares: Admixed American, 0.02%; no homozygotes.

Submission:

PreventionGenetics, part of Exact Sciences
Classification: Likely benign for CLRN1-related condition. Last evaluated: 2026-06-24. Review status: criteria provided, single submitter. Criteria: ACMG Guidelines, 2015. Collection method: clinical testing. Allele origin: germline.
Comment: This variant is classified as likely benign based on ACMG/AMP sequence variant interpretation guidelines (Richards et al. 2015 PMID: 25741868, with internal and published modifications).

NM_174878.3(CLRN1):c.254-639C>T

Gene: CLRN1 (clarin 1; minus strand). Cytogenetic location: 3q25.1.
Variant type: single nucleotide variant.
Coding change: c.254-639C>T on transcript NM_174878.3 (MANE Select); 639 bases into the intron before coding-DNA position 254, C replaced by T.
Molecular consequence: intron variant.
Genome position (GRCh38, 1-based): chr3:150,942,400, G>A on the plus strand (C>T on the coding strand, the complement: CLRN1 is on the minus strand). VCF-style: chr3-150942400-G-A. GRCh37 (hg19) VCF-style: chr3-150660187-G-A.
Other names: c.26-639C>T (NM_052995.2); c.254-639C>T (NM_001195794.1); c.426-639C>T (NM_001256819.2).
Identifiers: ClinVar variation 4978934 (VCV004978934.1).
Genomic context (GRCh38, chr3:150,942,400, plus strand): 5'-CGCCAAATCTATTTCTAGATTTTGTGTTCAGGGCAAGTTTTTCTTGTTTGCAGAGAAAGC[G>A]AAACCCTACATTTTAGGGCTTCTTTCATCTGGTGAGGCATCAGCATGCTTGGCATCAGCA-3'